The following is an entry in ClinVar:

NM_001372044.2(SHANK3):c.432T>G (p.Asp144Glu)

Gene: SHANK3 (SH3 and multiple ankyrin repeat domains 3; plus strand). Cytogenetic location: 22q13.33.
Variant type: single nucleotide variant.
Coding change: c.432T>G on transcript NM_001372044.2 (MANE Select); coding-DNA position 432, T replaced by G.
Protein change: p.Asp144Glu; replaces aspartic acid 144 with glutamic acid.
Molecular consequence: missense variant.
Genome position (GRCh38, 1-based): chr22:50,675,191, T>G. VCF-style: chr22-50675191-T-G. GRCh37 (hg19) VCF-style: chr22-51113619-T-G.
Other names: short protein forms D144E.
Identifiers: ClinVar variation 4887662 (VCV004887662.1).

ClinVar aggregate classification (germline): Uncertain significance (1 of 4 stars; one submission).

Submission:

Women's Health and Genetics/Laboratory Corporation of America, LabCorp
Classification: Uncertain significance. Last evaluated: 2026-06-26. Review status: criteria provided, single submitter. Criteria: LabCorp Variant Classification Summary - May 2015. Collection method: clinical testing. Allele origin: germline.
Comment: Variant summary: SHANK3 c.432T>G (p.Asp144Glu) results in a conservative amino acid change in the encoded protein sequence. Algorithms developed to predict the effect of missense changes on protein structure and function are either unavailable or do not agree on the potential impact of this missense change. The variant allele was found at a frequency of 6.8e-06 in 146384 control chromosomes. The available data on variant occurrences in the general population are insufficient to allow any conclusion about variant significance. To our knowledge, no occurrence of c.432T>G in individuals affected with SHANK3-related conditions and no experimental evidence demonstrating its impact on protein function have been reported. No submitters have cited clinical-significance assessments for this variant to ClinVar. Based on the evidence outlined above, the variant was classified as uncertain significance.